The following is an entry in ClinVar:

ClinVar aggregate classification (germline): Likely pathogenic (1 of 4 stars; one submission).

Conditions:
Peroxisome biogenesis disorder 4A (Zellweger) (PBD4A). Also called: Zellweger syndrome spectrum (PEX6-related). Identifiers: Orphanet 912, MedGen C3553936, MONDO:0013930, OMIM 614862. Disease mechanism: loss of function.

Submission:

Myriad Genetics, Inc.
Classification: Likely pathogenic for Peroxisome biogenesis disorder 4A (Zellweger). Last evaluated: 2022-05-18. Review status: criteria provided, single submitter. Criteria: Myriad Women's Health Autosomal Recessive and X-Linked Classification Criteria (2021). Collection method: clinical testing. Allele origin: unknown.
Comment: NM_000287.3(PEX6):c.1119delG(K374Nfs*12) is expected to be pathogenic in the context of peroxisome biogenesis disorder type 4. This variant is predicted to lead to an abnormal or absent protein product due to the creation of a premature termination codon in PEX6, a gene where loss-of-function variants are known to be pathogenic. Please note: this variant was assessed in the context of healthy population screening.

NM_000287.4(PEX6):c.1119del (p.Lys374fs)

Gene: PEX6 (peroxisomal biogenesis factor 6; minus strand). Cytogenetic location: 6p21.1.
Variant type: Deletion.
Coding change: c.1119del on transcript NM_000287.4 (MANE Select); coding-DNA position 1119, one base deleted (G; older notation c.1119delG).
Protein change: p.Lys374fs; shifts the reading frame from lysine 374.
Molecular consequence: frameshift variant. On other transcripts: non-coding transcript variant (1).
Genome position (GRCh38, 1-based): chr6:42,974,014, C deleted on the plus strand (G on the coding strand, the reverse complement: PEX6 is on the minus strand). VCF-style (leftmost placement, unchanged base first): chr6-42974013-TC-T. GRCh37 (hg19) VCF-style: chr6-42941751-TC-T.
Other names: c.855del, p.Lys286fs (NM_001316313.2); short protein forms K286fs, K374fs.
Identifiers: ClinVar variation 1726126 (VCV001726126.2), dbSNP rs2481251243, ClinGen allele CA2580074594.